The following is an entry in ClinVar:

ClinVar aggregate classification (germline): Likely pathogenic (1 of 4 stars; one submission).

Conditions:
Pitt-Hopkins-like syndrome 2 (PTHSL2). Identifiers: Orphanet 221150, Orphanet 600663, MedGen C3280479, MONDO:0013690, OMIM 614325.

Submission:

Labcorp Genetics (formerly Invitae), Labcorp
Classification: Likely pathogenic for Pitt-Hopkins-like syndrome 2. Last evaluated: 2025-01-17. Review status: criteria provided, single submitter. Criteria: Invitae Variant Classification Sherloc (09022015). Collection method: clinical testing. Allele origin: germline.
Comment: This sequence change affects a donor splice site in intron 13 of the NRXN1 gene. It is expected to disrupt RNA splicing. Variants that disrupt the donor or acceptor splice site typically lead to a loss of protein function (PMID: 16199547), and loss-of-function variants in NRXN1 are known to be pathogenic (PMID: 19896112, 21964664, 23495017, 23533028, 25149956, 30031152). This variant is not present in population databases (gnomAD no frequency). This variant has not been reported in the literature in individuals affected with NRXN1-related conditions. Algorithms developed to predict the effect of sequence changes on RNA splicing suggest that this variant may disrupt the consensus splice site. In summary, the currently available evidence indicates that the variant is pathogenic, but additional data are needed to prove that conclusively. Therefore, this variant has been classified as Likely Pathogenic.

Literature cited by the submitters: PubMed 16199547; PubMed 19896112; PubMed 21964664; PubMed 23495017; PubMed 23533028; PubMed 25149956; PubMed 30031152.

NM_001330078.2(NRXN1):c.2374+1G>C

Gene: NRXN1 (neurexin 1; minus strand). Cytogenetic location: 2p16.3.
Variant type: single nucleotide variant.
Coding change: c.2374+1G>C on transcript NM_001330078.2 (MANE Select); the canonical splice donor site of the intron after coding-DNA position 2374, G replaced by C.
Molecular consequence: splice donor variant. On other transcripts: intron variant (7).
Genome position (GRCh38, 1-based): chr2:50,528,624, C>G on the plus strand (G>C on the coding strand, the complement: NRXN1 is on the minus strand). VCF-style: chr2-50528624-C-G. GRCh37 (hg19) VCF-style: chr2-50755762-C-G.
Other names: c.2263+2603G>C (NM_001330096.2, NM_001330087.2); c.2308+2603G>C (NM_001330083.2, NM_001330084.2); c.2293+2603G>C (NM_001330088.2); c.2371+1G>C (NM_001330093.2); c.2362+1G>C (NM_001330094.2); c.2323+2603G>C (NM_001330095.2); c.2350+1G>C (NM_001330082.2, NM_001330077.2); c.2347+2603G>C (NM_001330085.2); and 2 more.
Identifiers: ClinVar variation 3729103 (VCV003729103.2).
Genomic context (GRCh38, chr2:50,528,624, plus strand): 5'-CTTGACTAGCTTACATCATAATGGAGGAATAACATTTTAAAAATTTTGAATAGGCACTTA[C>G]TGGAATTACAGTTAATCCTGATACAATCTAGATGGGGAAGAATAGATGAAAAATGAAAAT-3'